The following is an entry in ClinVar:

NM_014975.3(MAST1):c.256G>A (p.Gly86Arg)

Gene: MAST1 (microtubule associated serine/threonine kinase 1; plus strand). Cytogenetic location: 19p13.13.
Variant type: single nucleotide variant.
Coding change: c.256G>A on transcript NM_014975.3 (MANE Select); coding-DNA position 256, G replaced by A.
Protein change: p.Gly86Arg; replaces glycine 86 with arginine.
Molecular consequence: missense variant.
Genome position (GRCh38, 1-based): chr19:12,843,536, G>A. VCF-style: chr19-12843536-G-A. GRCh37 (hg19) VCF-style: chr19-12954350-G-A.
Other names: short protein forms G86R.
Identifiers: ClinVar variation 1027917 (VCV001027917.1), dbSNP rs1969856881, ClinGen allele CA404255489.

ClinVar aggregate classification (germline): Uncertain significance (1 of 4 stars; one submission).

Conditions:
Mega-corpus-callosum syndrome with cerebellar hypoplasia and cortical malformations. Identifiers: MedGen C4748927, MONDO:0032648, OMIM 618273.

Allele frequency attached by ClinVar (database versions not stated): TOPMed below 0.00001; gnomAD 0.00001.

Submission:

Baylor Genetics
Classification: Uncertain significance for Mega-corpus-callosum syndrome with cerebellar hypoplasia and cortical malformations. Last evaluated: 2019-09-13. Review status: criteria provided, single submitter. Criteria: ACMG Guidelines, 2015. Collection method: clinical testing. Allele origin: unknown. Affected: yes.
Comment: This variant was determined to be of uncertain significance according to ACMG Guidelines, 2015 [PMID:25741868].